The following is an entry in ClinVar:

ClinVar aggregate classification (germline): Uncertain significance (1 of 4 stars; one submission).

Conditions:
CEP290-related disorder. Also called: CEP290-related disorders; CEP290-related condition. Identifiers: MedGen CN239314.

gnomAD v4.1: 1 of 1,582,674 alleles (0.000063%); highest among the groups gnomAD compares: African/African-American, 0.0013%; no homozygotes.

Submission:

PreventionGenetics, part of Exact Sciences
Classification: Uncertain significance for CEP290-related condition. Last evaluated: 2025-08-27. Review status: criteria provided, single submitter. Criteria: ACMG Guidelines, 2015. Collection method: clinical testing. Allele origin: germline.
Comment: The CEP290 c.4195T>G variant is predicted to result in the amino acid substitution p.Phe1399Val. To our knowledge, this variant has not been reported in the literature or in a large population database (gnomAD), indicating this variant is rare. At this time, the clinical significance of this variant is uncertain due to the absence of conclusive functional and genetic evidence.

NM_025114.4(CEP290):c.4195T>G (p.Phe1399Val)

Gene: CEP290 (centrosomal protein 290; minus strand). Cytogenetic location: 12q21.32.
Variant type: single nucleotide variant.
Coding change: c.4195T>G on transcript NM_025114.4 (MANE Select); coding-DNA position 4195, T replaced by G.
Protein change: p.Phe1399Val; replaces phenylalanine 1399 with valine.
Molecular consequence: missense variant.
Genome position (GRCh38, 1-based): chr12:88,086,498, A>C on the plus strand (T>G on the coding strand, the complement: CEP290 is on the minus strand). VCF-style: chr12-88086498-A-C. GRCh37 (hg19) VCF-style: chr12-88480275-A-C.
Other names: short protein forms F1399V.
Identifiers: ClinVar variation 4992746 (VCV004992746.1).
Genomic context (GRCh38, chr12:88,086,498, plus strand): 5'-CTAGTTGGCGTTCCAGGTCAACTTCTCTTTGATCCCAGGCCATTTGTCTTTCTTCATGAA[A>C]CTAAAAAAAGGACAATTTGTGTCAGACACATACACGAAGACATCAGGCACATAACAGGCA-3'
Protein context (NP_079390.3, residues 1389-1409): LEEEIVQQNK[Phe1399Val]HEERQMAWDQ